The following is an entry in ClinVar:

ClinVar aggregate classification (germline): Likely pathogenic (1 of 4 stars; one submission).

Conditions:
Sandhoff disease. Also called: Beta-hexosaminidase-beta-subunit deficiency; GM2 gangliosidosis, type 2; Total hexosaminidase deficiency; Sandhoff-Jatzkewitz-Pilz disease; GM2-GANGLIOSIDOSIS, TYPE II; HEXOSAMINIDASES A AND B DEFICIENCY. Identifiers: Orphanet 796, MedGen C0036161, MONDO:0010006, OMIM 268800.

Submission:

Natera, Inc.
Classification: Likely pathogenic for Sandhoff disease. Last evaluated: 2025-01-22. Review status: criteria provided, single submitter. Criteria: Natera Variant Classification Schema (03/2026). Collection method: clinical testing. Allele origin: germline.
Comment: The c.995_996insACATACAACAT variant in HEXB is a frameshift variant predicted to shift the reading frame beginning at codon 332 and leads to a stop codon 44 codons downstream. This variant is expected to result in nonsense mediated decay, truncation, or a dysfunctional protein product. This variant is rare in the general population with a frequency below the threshold expected for the associated phenotype(s). Given the available evidence, this variant is classified as Likely Pathogenic.

NM_000521.4(HEXB):c.995_996insACATACAACAT (p.Phe332fs)

Gene: HEXB (hexosaminidase subunit beta; plus strand). Cytogenetic location: 5q13.3.
Variant type: Microsatellite.
Coding change: c.995_996insACATACAACAT on transcript NM_000521.4 (MANE Select); coding-DNA positions 995 to 996, ACATACAACAT inserted.
Protein change: p.Phe332fs; shifts the reading frame from phenylalanine 332.
Molecular consequence: frameshift variant.
Genome position: GRCh38 VCF-style: chr5-74715602-T-TTACATACAACA. GRCh37 (hg19) VCF-style: chr5-74011427-T-TTACATACAACA.
Other names: c.320_321insACATACAACAT, p.Phe107fs (NM_001292004.2); short protein forms F107fs, F332fs.
Identifiers: ClinVar variation 4069245 (VCV004069245.2).
Genomic context (GRCh38, chr5:74,715,602, plus strand): 5'-AGACAAAACAAGTTGGACTCTTTTGGACCTATAAACCCTACTCTGAATACAACATACAGC[T>TTACATACAACA]TCCTTACTACATTTTTCAAAGAAATTAGTGAGGTGTTTCCAGATCAATTCATTCATTTGG-3'